The following is an entry in ClinVar:

ClinVar aggregate classification (germline): Uncertain significance. Review status: criteria provided, multiple submitters, no conflicts (2 of 4 stars). 2 submissions from 2 submitters: Uncertain significance (2). Last evaluated 2026-05-05.

Conditions:
Inborn genetic diseases. Identifiers: MedGen C0950123, MeSH D030342.
Mowat-Wilson syndrome (MOWS). Also called: Classic Mowat-Wilson Syndrome. Identifiers: Orphanet 2152, MedGen C1856113, MONDO:0009341, OMIM 235730.

Allele frequency attached by ClinVar (database versions not stated): TOPMed below 0.00001; gnomAD exomes below 0.00001.
gnomAD v4.1: 1 of 1,614,162 alleles (0.000062%); highest among the groups gnomAD compares: Admixed American, 0.0017%; no homozygotes.

Submissions (2):

Ambry Genetics
Classification: Uncertain significance for Inborn genetic diseases. Last evaluated: 2026-05-05. Review status: criteria provided, single submitter. Criteria: Ambry Variant Classification Scheme 2023. Collection method: clinical testing. Allele origin: germline.

Labcorp Genetics (formerly Invitae), Labcorp
Classification: Uncertain significance for Mowat-Wilson syndrome. Last evaluated: 2024-12-28. Review status: criteria provided, single submitter. Criteria: Invitae Variant Classification Sherloc (09022015). Collection method: clinical testing. Allele origin: germline.
Comment: This sequence change replaces alanine, which is neutral and non-polar, with glycine, which is neutral and non-polar, at codon 661 of the ZEB2 protein (p.Ala661Gly). This variant is present in population databases (no rsID available, gnomAD 0.003%). This variant has not been reported in the literature in individuals affected with ZEB2-related conditions. ClinVar contains an entry for this variant (Variation ID: 2059600). Invitae Evidence Modeling of protein sequence and biophysical properties (such as structural, functional, and spatial information, amino acid conservation, physicochemical variation, residue mobility, and thermodynamic stability) indicates that this missense variant is expected to disrupt ZEB2 protein function with a positive predictive value of 80%. In summary, the available evidence is currently insufficient to determine the role of this variant in disease. Therefore, it has been classified as a Variant of Uncertain Significance.

NM_014795.4(ZEB2):c.1982C>G (p.Ala661Gly)

Gene: ZEB2 (zinc finger E-box binding homeobox 2; minus strand). Cytogenetic location: 2q22.3.
Variant type: single nucleotide variant.
Coding change: c.1982C>G on transcript NM_014795.4 (MANE Select); coding-DNA position 1982, C replaced by G.
Protein change: p.Ala661Gly; replaces alanine 661 with glycine.
Molecular consequence: missense variant.
Genome position (GRCh38, 1-based): chr2:144,399,205, G>C on the plus strand (C>G on the coding strand, the complement: ZEB2 is on the minus strand). VCF-style: chr2-144399205-G-C. GRCh37 (hg19) VCF-style: chr2-145156772-G-C.
Other names: c.1982C>G (NM_014795.3); c.1910C>G, p.Ala637Gly (NM_001171653.2); short protein forms A637G, A661G.
Identifiers: ClinVar variation 2059600 (VCV002059600.5), dbSNP rs1426614055, ClinGen allele CA348709426.